The following is an entry in ClinVar:

NM_021922.3(FANCE):c.1501C>G (p.Gln501Glu)

Gene: FANCE (FA complementation group E; plus strand). Cytogenetic location: 6p21.31.
Variant type: single nucleotide variant.
Coding change: c.1501C>G on transcript NM_021922.3 (MANE Select); coding-DNA position 1501, C replaced by G.
Protein change: p.Gln501Glu; replaces glutamine 501 with glutamic acid.
Molecular consequence: missense variant.
Genome position (GRCh38, 1-based): chr6:35,462,906, C>G. VCF-style: chr6-35462906-C-G. GRCh37 (hg19) VCF-style: chr6-35430683-C-G.
Other names: short protein forms Q501E.
Identifiers: ClinVar variation 1425759 (VCV001425759.8), dbSNP rs746321808, ClinGen allele CA3771727.
Genomic context (GRCh38, chr6:35,462,906, plus strand): 5'-CTGGCAGCCACCACCTCCATGGCCTATGCCAAGCTCATGCTGACAGTGATGACCAAGTAT[C>G]AGGCTAACGTGAGTATTGATAGGGCCTTGGGGCTGGTCCTGCTGGCAGGGCTGCCCTGGG-3'
Protein context (NP_068741.1, residues 491-511): KLMLTVMTKY[Gln501Glu]ANITETQRLG

ClinVar aggregate classification (germline): Uncertain significance (1 of 4 stars; one submission).

Conditions:
Fanconi anemia complementation group E (FANCE). Also called: FANCE-Related Fanconi Anemia. Identifiers: Orphanet 84, MedGen C3160739, MONDO:0010953, OMIM 600901.

Allele frequency attached by ClinVar (database versions not stated): TOPMed below 0.00001; gnomAD 0.00001; gnomAD exomes 0.00001; ExAC 0.00002.
gnomAD v4.1: 25 of 1,614,098 alleles (0.0015%); highest among the groups gnomAD compares: Non-Finnish European, 0.002%; no homozygotes.

Submission:

Labcorp Genetics (formerly Invitae), Labcorp
Classification: Uncertain significance for Fanconi anemia complementation group E. Last evaluated: 2021-05-12. Review status: criteria provided, single submitter. Criteria: Invitae Variant Classification Sherloc (09022015). Collection method: clinical testing. Allele origin: germline.
Comment: This variant is present in population databases (rs746321808, ExAC 0.003%). In summary, the available evidence is currently insufficient to determine the role of this variant in disease. Therefore, it has been classified as a Variant of Uncertain Significance. Algorithms developed to predict the effect of missense changes on protein structure and function (SIFT, PolyPhen-2, Align-GVGD) all suggest that this variant is likely to be tolerated, but these predictions have not been confirmed by published functional studies and their clinical significance is uncertain. This variant has not been reported in the literature in individuals with FANCE-related conditions. This sequence change replaces glutamine with glutamic acid at codon 501 of the FANCE protein (p.Gln501Glu). The glutamine residue is moderately conserved and there is a small physicochemical difference between glutamine and glutamic acid.